The following is an entry in ClinVar:

NM_006623.4(PHGDH):c.518G>A (p.Gly173Glu)

Gene: PHGDH (phosphoglycerate dehydrogenase; plus strand). Cytogenetic location: 1p12.
Variant type: single nucleotide variant.
Coding change: c.518G>A on transcript NM_006623.4 (MANE Select); coding-DNA position 518, G replaced by A.
Protein change: p.Gly173Glu; replaces glycine 173 with glutamic acid.
Molecular consequence: missense variant.
Genome position (GRCh38, 1-based): chr1:119,734,641, G>A. VCF-style: chr1-119734641-G-A. GRCh37 (hg19) VCF-style: chr1-120277264-G-A.
Other names: short protein forms G173E.
Identifiers: ClinVar variation 1420478 (VCV001420478.8), dbSNP rs2101195384, ClinGen allele CA341849741.

ClinVar aggregate classification (germline): Uncertain significance. Review status: criteria provided, multiple submitters, no conflicts (2 of 4 stars). 2 submissions from 2 submitters: Uncertain significance (2). Last evaluated 2024-03-07.

Conditions:
PHGDH deficiency. Identifiers: Orphanet 79351, MedGen C1866174, MONDO:0011152, OMIM 601815.

Submissions (2):

Women's Health and Genetics/Laboratory Corporation of America, LabCorp
Classification: Uncertain significance. Last evaluated: 2024-03-07. Review status: criteria provided, single submitter. Criteria: LabCorp Variant Classification Summary - May 2015. Collection method: clinical testing. Allele origin: germline.
Comment: Variant summary: PHGDH c.518G>A (p.Gly173Glu) results in a non-conservative amino acid change located in the D-isomer specific 2-hydroxyacid dehydrogenase, catalytic domain (IPR006139) of the encoded protein sequence. Four of four in-silico tools predict a damaging effect of the variant on protein function. The variant was absent in 251460 control chromosomes. The available data on variant occurrences in the general population are insufficient to allow any conclusion about variant significance. c.518G>A has been reported in the literature along with a second pathogenic variant in at-least one individual affected with Phosphoglycerate Dehydrogenase Deficiency (example, Almontashiri_2018). These data do not allow any conclusion about variant significance. To our knowledge, no experimental evidence demonstrating an impact on protein function has been reported. The following publication have been ascertained in the context of this evaluation (PMID: 29703746). ClinVar contains an entry for this variant (Variation ID: 1420478). Based on the evidence outlined above, the variant was classified as uncertain significance.

Labcorp Genetics (formerly Invitae), Labcorp
Classification: Uncertain significance for PHGDH deficiency. Last evaluated: 2021-09-09. Review status: criteria provided, single submitter. Criteria: Invitae Variant Classification Sherloc (09022015). Collection method: clinical testing. Allele origin: germline.
Comment: This sequence change replaces glycine with glutamic acid at codon 173 of the PHGDH protein (p.Gly173Glu). The glycine residue is highly conserved and there is a moderate physicochemical difference between glycine and glutamic acid. This variant is not present in population databases (ExAC no frequency). This missense change has been observed in individual(s) with 3-phosphoglycerate dehydrogenase deficiency (PMID: 29703746). Algorithms developed to predict the effect of missense changes on protein structure and function are either unavailable or do not agree on the potential impact of this missense change (SIFT: "Tolerated"; PolyPhen-2: "Probably Damaging"; Align-GVGD: "Class C0"). In summary, the available evidence is currently insufficient to determine the role of this variant in disease. Therefore, it has been classified as a Variant of Uncertain Significance.

Literature cited by the submitters: PubMed 29703746 (cited by Women's Health and Genetics/Laboratory Corporation of America, LabCorp and Labcorp Genetics (formerly Invitae), Labcorp).